The following is an entry in ClinVar:

ClinVar aggregate classification (germline): Conflicting classifications of pathogenicity. Review status: criteria provided, conflicting classifications (1 of 4 stars). 2 submissions from 2 submitters: Uncertain significance (1); Likely benign (1). Last evaluated 2025-04-25.

Conditions:
Inborn genetic diseases. Identifiers: MedGen C0950123, MeSH D030342.

Allele frequency attached by ClinVar (database versions not stated): TOPMed 0.00001; gnomAD exomes below 0.00001.
gnomAD v4.1: 5 of 1,613,626 alleles (0.00031%); highest among the groups gnomAD compares: Admixed American, 0.0083%; no homozygotes.

Submissions (2):

Ambry Genetics
Classification: Likely benign for Inborn genetic diseases. Last evaluated: 2025-04-25. Review status: criteria provided, single submitter. Criteria: Ambry Variant Classification Scheme 2023. Collection method: clinical testing. Allele origin: germline.

Labcorp Genetics (formerly Invitae), Labcorp
Classification: Uncertain significance. Last evaluated: 2022-06-28. Review status: criteria provided, single submitter. Criteria: Invitae Variant Classification Sherloc (09022015). Collection method: clinical testing. Allele origin: germline.
Comment: This variant is present in population databases (no rsID available, gnomAD 0.009%). This variant has not been reported in the literature in individuals affected with C3-related conditions. Algorithms developed to predict the effect of missense changes on protein structure and function output the following: SIFT: "Tolerated"; PolyPhen-2: "Benign"; Align-GVGD: "Class C0". The arginine amino acid residue is found in multiple mammalian species, which suggests that this missense change does not adversely affect protein function. In summary, the available evidence is currently insufficient to determine the role of this variant in disease. Therefore, it has been classified as a Variant of Uncertain Significance. This sequence change replaces glutamine, which is neutral and polar, with arginine, which is basic and polar, at codon 1184 of the C3 protein (p.Gln1184Arg).

NM_000064.4(C3):c.3551A>G (p.Gln1184Arg)

Gene: C3 (complement C3; minus strand). Cytogenetic location: 19p13.3.
Variant type: single nucleotide variant.
Coding change: c.3551A>G on transcript NM_000064.4 (MANE Select); coding-DNA position 3551, A replaced by G.
Protein change: p.Gln1184Arg; replaces glutamine 1184 with arginine.
Molecular consequence: missense variant.
Genome position (GRCh38, 1-based): chr19:6,686,841, T>C on the plus strand (A>G on the coding strand, the complement: C3 is on the minus strand). VCF-style: chr19-6686841-T-C. GRCh37 (hg19) VCF-style: chr19-6686852-T-C.
Other names: short protein forms Q1184R.
Identifiers: ClinVar variation 2084107 (VCV002084107.5), dbSNP rs1237544125, ClinGen allele CA403621228.